The following is an entry in ClinVar:

NM_015978.3(TNNI3K):c.1084A>G (p.Asn362Asp)

Genes: FPGT-TNNI3K (FPGT-TNNI3K readthrough; plus strand), TNNI3K (TNNI3 interacting kinase; plus strand). Cytogenetic location: 1p31.1.
Variant type: single nucleotide variant.
Coding change: c.1084A>G on transcript NM_015978.3 (MANE Select); coding-DNA position 1084, A replaced by G.
Protein change: p.Asn362Asp; replaces asparagine 362 with aspartic acid.
Molecular consequence: missense variant.
Genome position (GRCh38, 1-based): chr1:74,354,036, A>G. VCF-style: chr1-74354036-A-G. GRCh37 (hg19) VCF-style: chr1-74819720-A-G.
Other names: c.1387A>G, p.Asn463Asp (NM_001112808.3, NM_001199327.2); short protein forms N362D, N463D.
Identifiers: ClinVar variation 1467654 (VCV001467654.6), dbSNP rs2100480602, ClinGen allele CA340784239.
Genomic context (GRCh38, chr1:74,354,036, plus strand): 5'-ACAGGATTACACTCTGCTTGCTACCACGGTCACATTCGCCTGGTTCAGTTCTTACTGGAT[A>G]ATGGAGCTGATATGAATCTAGTGGCTTGTGATCCCAGCAGGTCTAGTGGTGAAAAAGATG-3'
Protein context (NP_057062.1, residues 352-372): HIRLVQFLLD[Asn362Asp]GADMNLVACD

ClinVar aggregate classification (germline): Uncertain significance (1 of 4 stars; one submission).

Allele frequency attached by ClinVar (database versions not stated): gnomAD exomes below 0.00001.
gnomAD v4.1: 1 of 1,614,038 alleles (0.000062%); highest among the groups gnomAD compares: African/African-American, 0.0013%; no homozygotes.

Submission:

Labcorp Genetics (formerly Invitae), Labcorp
Classification: Uncertain significance. Last evaluated: 2021-08-18. Review status: criteria provided, single submitter. Criteria: Invitae Variant Classification Sherloc (09022015). Collection method: clinical testing. Allele origin: germline.
Comment: This variant has not been reported in the literature in individuals affected with TNNI3K-related conditions. Algorithms developed to predict the effect of missense changes on protein structure and function are either unavailable or do not agree on the potential impact of this missense change (SIFT: "Deleterious"; PolyPhen-2: "Benign"; Align-GVGD: "Class C15"). In summary, the available evidence is currently insufficient to determine the role of this variant in disease. Therefore, it has been classified as a Variant of Uncertain Significance. This sequence change replaces asparagine with aspartic acid at codon 362 of the TNNI3K protein (p.Asn362Asp). The asparagine residue is highly conserved and there is a small physicochemical difference between asparagine and aspartic acid. This variant is not present in population databases (ExAC no frequency).